The following is an entry in ClinVar:

NM_181712.5(KANK4):c.1135G>A (p.Ala379Thr)

Gene: KANK4 (KN motif and ankyrin repeat domains 4; minus strand). Cytogenetic location: 1p31.3.
Variant type: single nucleotide variant.
Coding change: c.1135G>A on transcript NM_181712.5 (MANE Select); coding-DNA position 1135, G replaced by A.
Protein change: p.Ala379Thr; replaces alanine 379 with threonine.
Molecular consequence: missense variant. On other transcripts: intron variant (1).
Genome position (GRCh38, 1-based): chr1:62,273,969, C>T on the plus strand (G>A on the coding strand, the complement: KANK4 is on the minus strand). VCF-style: chr1-62273969-C-T. GRCh37 (hg19) VCF-style: chr1-62739641-C-T.
Other names: c.17-2380G>A (NM_001320269.2); short protein forms A379T.
Identifiers: ClinVar variation 4754746 (VCV004754746.1).

ClinVar aggregate classification (germline): Uncertain significance (1 of 4 stars; one submission).

gnomAD v4.1: 13 of 1,614,220 alleles (0.00081%); highest among the groups gnomAD compares: Admixed American, 0.017%; no homozygotes.

Submission:

Labcorp Genetics (formerly Invitae), Labcorp
Classification: Uncertain significance. Last evaluated: 2025-05-26. Review status: criteria provided, single submitter. Criteria: Invitae Variant Classification Sherloc (09022015). Collection method: clinical testing. Allele origin: germline.
Comment: This sequence change replaces alanine, which is neutral and non-polar, with threonine, which is neutral and polar, at codon 379 of the KANK4 protein (p.Ala379Thr). This variant is present in population databases (rs757533237, gnomAD 0.01%). This variant has not been reported in the literature in individuals affected with KANK4-related conditions. An algorithm developed to predict the effect of missense changes on protein structure and function outputs the following: PolyPhen-2: "Benign". The threonine amino acid residue is found in multiple mammalian species, which suggests that this missense change does not adversely affect protein function. In summary, the available evidence is currently insufficient to determine the role of this variant in disease. Therefore, it has been classified as a Variant of Uncertain Significance.